The following is an entry in ClinVar:

ClinVar aggregate classification (germline): Uncertain significance (1 of 4 stars; one submission).

Conditions:
Cystic fibrosis (CF). Also called: MUCOVISCIDOSIS. Identifiers: Orphanet 586, MedGen C0010674, MONDO:0009061, OMIM 219700. Disease mechanism: loss of function.

Submission:

Ambry Genetics
Classification: Uncertain significance for Cystic fibrosis. Last evaluated: 2025-02-21. Review status: criteria provided, single submitter. Criteria: Ambry Variant Classification Scheme 2023. Collection method: clinical testing. Allele origin: germline.
Comment: The p.E695V variant (also known as c.2084A>T), located in coding exon 14 of the CFTR gene, results from an A to T substitution at nucleotide position 2084. The glutamic acid at codon 695 is replaced by valine, an amino acid with dissimilar properties. This amino acid position is conserved. In addition, this alteration is predicted to be deleterious by in silico analysis. Based on the available evidence, the clinical significance of this variant remains unclear.

NM_000492.4(CFTR):c.2084A>T (p.Glu695Val)

Gene: CFTR (CF transmembrane conductance regulator; plus strand). Cytogenetic location: 7q31.2.
Variant type: single nucleotide variant.
Coding change: c.2084A>T on transcript NM_000492.4 (MANE Select); coding-DNA position 2084, A replaced by T.
Protein change: p.Glu695Val; replaces glutamic acid 695 with valine.
Molecular consequence: missense variant.
Genome position (GRCh38, 1-based): chr7:117,592,251, A>T. VCF-style: chr7-117592251-A-T. GRCh37 (hg19) VCF-style: chr7-117232305-A-T.
Other names: short protein forms E695V.
Identifiers: ClinVar variation 3832597 (VCV003832597.1).